The following is an entry in ClinVar:

ClinVar aggregate classification (germline): not provided (0 of 4 stars; one submission).

Allele frequency attached by ClinVar (database versions not stated): gnomAD 0.00001 and below 0.00001; gnomAD exomes 0.00002.

Submission:

Human Evolutionary Genetics, Institut Pasteur
No classification provided. Review status: no classification provided. Collection method: not provided. Allele origin: germline.
ClinVar note: Converted during submission from untested to not provided.

NM_001433705.1(NLRP5):c.412+114G>T

Gene: NLRP5 (NLR family pyrin domain containing 5; plus strand). Cytogenetic location: 19q13.43.
Variant type: single nucleotide variant.
Coding change: c.412+114G>T on transcript NM_001433705.1 (MANE Select); 114 bases into the intron after coding-DNA position 412, G replaced by T.
Molecular consequence: intron variant.
Genome position (GRCh38, 1-based): chr19:56,015,912, G>T. VCF-style: chr19-56015912-G-T. GRCh37 (hg19) VCF-style: chr19-56527278-G-T.
Other names: NM_153447.4:c.565+114G>T.
Identifiers: ClinVar variation 103294 (VCV000103294.2), dbSNP rs199475766, ClinGen allele CA230379.
Genomic context (GRCh38, chr19:56,015,912, plus strand): 5'-GAGAAGTTCATGTAGTTCAAAGGACGGGGAAATCCACTTTCCCTTTCTTCATCCTCATTT[G>T]TCTCTGGTGTGTGAGTCCCTCTTCCCTAAGAGATCTTGGGATCAGCACCATGGACAGAAC-3'